The following is an entry in ClinVar:

NM_001365480.1(CCDC88A):c.926G>A (p.Arg309Gln)

Gene: CCDC88A (coiled-coil domain containing 88A; minus strand). Cytogenetic location: 2p16.1.
Variant type: single nucleotide variant.
Coding change: c.926G>A on transcript NM_001365480.1 (MANE Select); coding-DNA position 926, G replaced by A.
Protein change: p.Arg309Gln; replaces arginine 309 with glutamine.
Molecular consequence: missense variant.
Genome position (GRCh38, 1-based): chr2:55,346,290, C>T on the plus strand (G>A on the coding strand, the complement: CCDC88A is on the minus strand). VCF-style: chr2-55346290-C-T. GRCh37 (hg19) VCF-style: chr2-55573426-C-T.
Other names: c.926G>A, p.Arg309Gln (NM_001135597.2, NM_001254943.2, NM_018084.5); short protein forms R309Q.
Identifiers: ClinVar variation 1980005 (VCV001980005.3), dbSNP rs1669098738, ClinGen allele CA346907194.
Genomic context (GRCh38, chr2:55,346,290, plus strand): 5'-ACTTCACTTTCAAGCTTATCGACTCTGACTGCTTTCTCTCGAAGTGCATCTAATTCATCT[C>T]GGTACATTCTGGCAGAGCGAGCATCCGAAAGCAAATTCATGTTCTAAACAAAAATTTAAA-3'
Protein context (NP_001352409.1, residues 299-319): LSDARSARMY[Arg309Gln]DELDALREKA

ClinVar aggregate classification (germline): Uncertain significance. Review status: criteria provided, multiple submitters, no conflicts (2 of 4 stars). 2 submissions from 2 submitters: Uncertain significance (2). Last evaluated 2023-12-13.

Allele frequency attached by ClinVar (database versions not stated): gnomAD exomes 0.00001; TOPMed 0.00001.
gnomAD v4.1: 10 of 1,608,904 alleles (0.00062%); highest among the groups gnomAD compares: East Asian, 0.0045%; no homozygotes.

Submissions (2):

Ambry Genetics
Classification: Uncertain significance. Last evaluated: 2023-12-13. Review status: criteria provided, single submitter. Criteria: Ambry Variant Classification Scheme 2023. Collection method: clinical testing. Allele origin: germline.

Labcorp Genetics (formerly Invitae), Labcorp
Classification: Uncertain significance. Last evaluated: 2022-07-09. Review status: criteria provided, single submitter. Criteria: Invitae Variant Classification Sherloc (09022015). Collection method: clinical testing. Allele origin: germline.
Comment: In summary, the available evidence is currently insufficient to determine the role of this variant in disease. Therefore, it has been classified as a Variant of Uncertain Significance. Algorithms developed to predict the effect of missense changes on protein structure and function are either unavailable or do not agree on the potential impact of this missense change (SIFT: "Deleterious"; PolyPhen-2: "Possibly Damaging"; Align-GVGD: "Class C0"). This variant has not been reported in the literature in individuals affected with CCDC88A-related conditions. This variant is not present in population databases (gnomAD no frequency). This sequence change replaces arginine, which is basic and polar, with glutamine, which is neutral and polar, at codon 309 of the CCDC88A protein (p.Arg309Gln).